The following is an entry in ClinVar:

ClinVar aggregate classification (germline): Uncertain significance (1 of 4 stars; one submission).

Conditions:
T-B+ severe combined immunodeficiency due to JAK3 deficiency. Also called: SCID, T CELL-NEGATIVE, B CELL-POSITIVE, NK CELL-NEGATIVE; SCID, autosomal recessive, T-negative/B-positive type. Identifiers: Orphanet 35078, MedGen C1833275, MONDO:0010938, OMIM 600802.

Submission:

Labcorp Genetics (formerly Invitae), Labcorp
Classification: Uncertain significance for T-B+ severe combined immunodeficiency due to JAK3 deficiency. Last evaluated: 2021-02-26. Review status: criteria provided, single submitter. Criteria: Invitae Variant Classification Sherloc (09022015). Collection method: clinical testing. Allele origin: germline.
Comment: In summary, the available evidence is currently insufficient to determine the role of this variant in disease. Therefore, it has been classified as a Variant of Uncertain Significance. Algorithms developed to predict the effect of missense changes on protein structure and function output the following: SIFT: "Tolerated"; PolyPhen-2: "Benign"; Align-GVGD: "Class C0". The aspartic acid amino acid residue is found in multiple mammalian species, suggesting that this missense change does not adversely affect protein function. These predictions have not been confirmed by published functional studies and their clinical significance is uncertain. This variant has not been reported in the literature in individuals with JAK3-related conditions. This variant is not present in population databases (ExAC no frequency). This sequence change replaces glycine with aspartic acid at codon 794 of the JAK3 protein (p.Gly794Asp). The glycine residue is moderately conserved and there is a moderate physicochemical difference between glycine and aspartic acid.

NM_000215.4(JAK3):c.2381G>A (p.Gly794Asp)

Gene: JAK3 (Janus kinase 3; minus strand). Cytogenetic location: 19p13.11.
Variant type: single nucleotide variant.
Coding change: c.2381G>A on transcript NM_000215.4 (MANE Select); coding-DNA position 2381, G replaced by A.
Protein change: p.Gly794Asp; replaces glycine 794 with aspartic acid.
Molecular consequence: missense variant.
Genome position (GRCh38, 1-based): chr19:17,832,899, C>T on the plus strand (G>A on the coding strand, the complement: JAK3 is on the minus strand). VCF-style: chr19-17832899-C-T. GRCh37 (hg19) VCF-style: chr19-17943708-C-T.
Other names: short protein forms G794D.
Identifiers: ClinVar variation 1019054 (VCV001019054.8), dbSNP rs935305331, ClinGen allele CA404767017.